The following is an entry in ClinVar:

ClinVar aggregate classification (germline): Conflicting classifications of pathogenicity. Review status: criteria provided, conflicting classifications (1 of 4 stars). 3 submissions from 3 submitters: Pathogenic (1); Uncertain significance (2). Last evaluated 2022-06-26.

Conditions:
Isolated macular dystrophy. Identifiers: Orphanet 519302, MedGen C5681367, MONDO:0957048.

Allele frequency attached by ClinVar (database versions not stated): ExAC 0.00001; gnomAD exomes 0.00002 and 0.00005; gnomAD 0.00003 and 0.00004; TOPMed 0.00006.

Submissions (3):

Labcorp Genetics (formerly Invitae), Labcorp
Classification: Uncertain significance. Last evaluated: 2022-06-26. Review status: criteria provided, single submitter. Criteria: Invitae Variant Classification Sherloc (09022015). Collection method: clinical testing. Allele origin: germline.
Comment: This sequence change replaces methionine, which is neutral and non-polar, with threonine, which is neutral and polar, at codon 1733 of the ABCA4 protein (p.Met1733Thr). This variant is present in population databases (rs765563320, gnomAD 0.006%). This variant has not been reported in the literature in individuals affected with ABCA4-related conditions. ClinVar contains an entry for this variant (Variation ID: 813148). Algorithms developed to predict the effect of missense changes on protein structure and function are either unavailable or do not agree on the potential impact of this missense change (SIFT: "Deleterious"; PolyPhen-2: "Benign"; Align-GVGD: "Class C55"). In summary, the available evidence is currently insufficient to determine the role of this variant in disease. Therefore, it has been classified as a Variant of Uncertain Significance.

Blueprint Genetics
Classification: Uncertain significance. Last evaluated: 2021-07-13. Review status: criteria provided, single submitter. Criteria: ACMG Guidelines, 2015. Collection method: clinical testing. Allele origin: germline.

Molecular Genetics Laboratory, Institute for Ophthalmic Research
Classification: Pathogenic for Isolated macular dystrophy. Last evaluated: 2020-01-09. Review status: criteria provided, single submitter. Criteria: ACMG Guidelines, 2015. Collection method: research. Allele origin: germline. Affected: yes.

NM_000350.3(ABCA4):c.5198T>C (p.Met1733Thr)

Gene: ABCA4 (ATP binding cassette subfamily A member 4; minus strand). Cytogenetic location: 1p22.1.
Variant type: single nucleotide variant.
Coding change: c.5198T>C on transcript NM_000350.3 (MANE Select); coding-DNA position 5198, T replaced by C.
Protein change: p.Met1733Thr; replaces methionine 1733 with threonine.
Molecular consequence: missense variant.
Genome position (GRCh38, 1-based): chr1:94,015,853, A>G on the plus strand (T>C on the coding strand, the complement: ABCA4 is on the minus strand). VCF-style: chr1-94015853-A-G. GRCh37 (hg19) VCF-style: chr1-94481409-A-G.
Other names: c.4976T>C, p.Met1659Thr (NM_001425324.1); short protein forms M1733T, M1659T.
Identifiers: ClinVar variation 813148 (VCV000813148.6), dbSNP rs765563320, ClinGen allele CA957346.